The following is an entry in ClinVar:

ClinVar aggregate classification (germline): Conflicting classifications of pathogenicity. Review status: criteria provided, conflicting classifications (1 of 4 stars). 2 submissions from 2 submitters: Uncertain significance (1); Likely benign (1). Last evaluated 2025-12-08.

Conditions:
DNMT1-related disorder. Also called: DNMT1-related condition. Identifiers: MedGen CN381527.
Hereditary sensory neuropathy-deafness-dementia syndrome. Also called: NEUROPATHY, HEREDITARY SENSORY, WITH HEARING LOSS AND DEMENTIA; HSN IE; Hereditary sensory neuropathy type IE; Hereditary Sensory and Autonomic Neuropathy Type 1E (HSAN1E). Identifiers: Orphanet 456318, MedGen C3279885, MONDO:0013584, OMIM 614116.

Allele frequency attached by ClinVar (database versions not stated): ExAC 0.00001; gnomAD exomes 0.00002; gnomAD 0.00003; TOPMed 0.00003; ESP Exome Variant Server 0.00008.
gnomAD v4.1: 27 of 1,614,028 alleles (0.0017%); highest among the groups gnomAD compares: South Asian, 0.014%; no homozygotes.

Submissions (2):

PreventionGenetics, part of Exact Sciences
Classification: Uncertain significance for DNMT1-related condition. Last evaluated: 2025-12-08. Review status: criteria provided, single submitter. Criteria: ACMG Guidelines, 2015. Collection method: clinical testing. Allele origin: germline.
Comment: The DNMT1 c.3428C>T variant is predicted to result in the amino acid substitution p.Pro1143Leu. To our knowledge, this variant has not been reported in the literature. This variant is reported in 0.0080% of alleles in individuals of African descent in gnomAD. At this time, the clinical significance of this variant is uncertain due to the absence of conclusive functional and genetic evidence.

Labcorp Genetics (formerly Invitae), Labcorp
Classification: Likely benign for Hereditary sensory neuropathy-deafness-dementia syndrome. Last evaluated: 2023-09-09. Review status: criteria provided, single submitter. Criteria: Invitae Variant Classification Sherloc (09022015). Collection method: clinical testing. Allele origin: germline.

NM_001130823.3(DNMT1):c.3428C>T (p.Pro1143Leu)

Gene: DNMT1 (DNA methyltransferase 1; minus strand). Cytogenetic location: 19p13.2.
Variant type: single nucleotide variant.
Coding change: c.3428C>T on transcript NM_001130823.3 (MANE Select); coding-DNA position 3428, C replaced by T.
Protein change: p.Pro1143Leu; replaces proline 1143 with leucine.
Molecular consequence: missense variant.
Genome position (GRCh38, 1-based): chr19:10,140,876, G>A on the plus strand (C>T on the coding strand, the complement: DNMT1 is on the minus strand). VCF-style: chr19-10140876-G-A. GRCh37 (hg19) VCF-style: chr19-10251552-G-A.
Other names: c.3380C>T, p.Pro1127Leu (NM_001318730.2, NM_001379.4); c.3065C>T, p.Pro1022Leu (NM_001318731.2); c.3428C>T (NM_001130823.2); short protein forms P1022L, P1127L, P1143L.
Identifiers: ClinVar variation 1024864 (VCV001024864.9), dbSNP rs375976847, ClinGen allele CA9187750.
Genomic context (GRCh38, chr19:10,140,876, plus strand): 5'-CCAGAAAACACATCCAGGGTCCGCAGCTTGGGCAGCTTGATCTCTATCTCTGGCTCGCTC[G>A]GCTCACAGGCTTGGGACTTGGGCTTGCCCTTCCCTGGGGGAGAGAGGCCAGAGGCTAAAC-3'
Protein context (NP_001124295.1, residues 1133-1153): KGKPKSQACE[Pro1143Leu]SEPEIEIKLP